The following is an entry in ClinVar:

NM_001015880.2(PAPSS2):c.1095G>A (p.Met365Ile)

Gene: PAPSS2 (3'-phosphoadenosine 5'-phosphosulfate synthase 2; plus strand). Cytogenetic location: 10q23.31.
Variant type: single nucleotide variant.
Coding change: c.1095G>A on transcript NM_001015880.2 (MANE Select); coding-DNA position 1095, G replaced by A.
Protein change: p.Met365Ile; replaces methionine 365 with isoleucine.
Molecular consequence: missense variant.
Genome position (GRCh38, 1-based): chr10:87,741,243, G>A. VCF-style: chr10-87741243-G-A. GRCh37 (hg19) VCF-style: chr10-89501000-G-A.
Other names: c.1080G>A, p.Met360Ile (NM_004670.4); short protein forms M365I, M360I.
Identifiers: ClinVar variation 1416857 (VCV001416857.8), dbSNP rs1431798357, ClinGen allele CA377482458.

ClinVar aggregate classification (germline): Uncertain significance (1 of 4 stars; one submission).

Conditions:
Spondyloepimetaphyseal dysplasia, PAPSS2 type. Also called: BRACHYOLMIA TYPE 4 WITH MILD EPIPHYSEAL AND METAPHYSEAL CHANGES; SPONDYLODYSPLASIA AND PREMATURE PUBARCHE; SEMD, PAKISTANI TYPE. Identifiers: Orphanet 93282, MedGen C2748516, MONDO:0019666, OMIM 612847.

Allele frequency attached by ClinVar (database versions not stated): TOPMed below 0.00001.

Submission:

Labcorp Genetics (formerly Invitae), Labcorp
Classification: Uncertain significance for Spondyloepimetaphyseal dysplasia, PAPSS2 type. Last evaluated: 2021-04-02. Review status: criteria provided, single submitter. Criteria: Invitae Variant Classification Sherloc (09022015). Collection method: clinical testing. Allele origin: germline.
Comment: Algorithms developed to predict the effect of missense changes on protein structure and function (SIFT, PolyPhen-2, Align-GVGD) all suggest that this variant is likely to be tolerated, but these predictions have not been confirmed by published functional studies and their clinical significance is uncertain. This sequence change replaces methionine with isoleucine at codon 365 of the PAPSS2 protein (p.Met365Ile). The methionine residue is moderately conserved and there is a small physicochemical difference between methionine and isoleucine. This variant is not present in population databases (ExAC no frequency). This variant has not been reported in the literature in individuals with PAPSS2-related conditions. In summary, the available evidence is currently insufficient to determine the role of this variant in disease. Therefore, it has been classified as a Variant of Uncertain Significance.